The following is an entry in ClinVar:

ClinVar aggregate classification (germline): Likely benign. Review status: criteria provided, multiple submitters, no conflicts (2 of 4 stars). 5 submissions from 5 submitters: Likely benign (4). 1 of the submissions does not count toward it. Last evaluated 2026-02-04.

Conditions:
POLD1-related disorder. Also called: POLD1-related disorders; POLD1-related condition.
POLD1-related polyposis and colorectal cancer syndrome (CRCS10). Also called: Colorectal cancer, susceptibility to, 10; Colorectal cancer 10; COLORECTAL CANCER, SUSCEPTIBILITY TO, ON CHROMOSOME 19q. Identifiers: Orphanet 220460, MedGen C2675481, MONDO:0012953, OMIM 612591.

Allele frequency attached by ClinVar (database versions not stated): TOPMed 0.00001; gnomAD exomes 0.00002 and 0.00003; gnomAD 0.00003; ExAC 0.00005.

Submissions (5):

Labcorp Genetics (formerly Invitae), Labcorp
Classification: Likely benign for POLD1-related polyposis and colorectal cancer syndrome. Last evaluated: 2026-02-04. Review status: criteria provided, single submitter. Criteria: Invitae Variant Classification Sherloc (09022015). Collection method: clinical testing. Allele origin: germline.

Quest Diagnostics Nichols Institute San Juan Capistrano
Classification: Likely benign. Last evaluated: 2025-06-25. Review status: criteria provided, single submitter. Criteria: Quest Diagnostics criteria. Collection method: clinical testing. Allele origin: unknown.

Myriad Genetics, Inc.
Classification: Likely benign for POLD1-related polyposis and colorectal cancer syndrome. Last evaluated: 2025-02-05. Review status: criteria provided, single submitter. Criteria: Myriad Autosomal Dominant, Autosomal Recessive and X-Linked Classification Criteria (2023). Collection method: clinical testing. Allele origin: unknown.
Comment: This variant is considered likely benign. This variant is intronic and is not expected to impact mRNA splicing.

GeneDx
Classification: Likely benign. Last evaluated: 2017-03-03. Review status: criteria provided, single submitter. Criteria: GeneDx Variant Classification (06012015). Collection method: clinical testing. Allele origin: germline. Affected: yes.
Comment: This variant is considered likely benign or benign based on one or more of the following criteria: it is a conservative change, it occurs at a poorly conserved position in the protein, it is predicted to be benign by multiple in silico algorithms, and/or has population frequency not consistent with disease.

PreventionGenetics, part of Exact Sciences
Classification: Likely benign for POLD1-related condition. Last evaluated: 2019-08-05. Review status: no assertion criteria provided. Collection method: clinical testing. Allele origin: germline. Not counted in ClinVar's aggregate classification.
Comment: This variant is classified as likely benign based on ACMG/AMP sequence variant interpretation guidelines (Richards et al. 2015 PMID: 25741868, with internal and published modifications).

NM_002691.4(POLD1):c.970+10C>T

Gene: POLD1 (DNA polymerase delta 1, catalytic subunit; plus strand). Cytogenetic location: 19q13.33.
Variant type: single nucleotide variant.
Coding change: c.970+10C>T on transcript NM_002691.4 (MANE Select); 10 bases into the intron after coding-DNA position 970, C replaced by T.
Molecular consequence: intron variant.
Genome position (GRCh38, 1-based): chr19:50,402,751, C>T. VCF-style: chr19-50402751-C-T. GRCh37 (hg19) VCF-style: chr19-50906008-C-T.
Other names: c.970+10C>T (LRG_785t1, LRG_785t2, NM_001256849.1 and 1 more transcripts).
Identifiers: ClinVar variation 386771 (VCV000386771.15), dbSNP rs752967787, ClinGen allele CA9595971.